The following is an entry in ClinVar:

ClinVar aggregate classification (germline): Uncertain significance (1 of 4 stars; one submission).

Conditions:
Ataxia-telangiectasia syndrome (AT). Also called: ATAXIA-TELANGIECTASIA, COMPLEMENTATION GROUP A; ATAXIA-TELANGIECTASIA, FRESNO VARIANT; Ataxia-telangiectasia, complementation group D; LOUIS-BAR SYNDROME; AT, COMPLEMENTATION GROUP C; Ataxia-telangiectasia. Identifiers: Orphanet 100, MedGen C0004135, MONDO:0008840, OMIM 208900.

Submission:

Labcorp Genetics (formerly Invitae), Labcorp
Classification: Uncertain significance for Ataxia-telangiectasia syndrome. Last evaluated: 2024-01-03. Review status: criteria provided, single submitter. Criteria: Invitae Variant Classification Sherloc (09022015). Collection method: clinical testing. Allele origin: germline.
Comment: This sequence change replaces isoleucine, which is neutral and non-polar, with arginine, which is basic and polar, at codon 1441 of the ATM protein (p.Ile1441Arg). This variant is not present in population databases (gnomAD no frequency). This variant has not been reported in the literature in individuals affected with ATM-related conditions. An algorithm developed to predict the effect of missense changes on protein structure and function (PolyPhen-2) suggests that this variant is likely to be tolerated. In summary, the available evidence is currently insufficient to determine the role of this variant in disease. Therefore, it has been classified as a Variant of Uncertain Significance.

NM_000051.4(ATM):c.4322T>G (p.Ile1441Arg)

Gene: ATM (ATM serine/threonine kinase; plus strand). Cytogenetic location: 11q22.3.
Variant type: single nucleotide variant.
Coding change: c.4322T>G on transcript NM_000051.4 (MANE Select); coding-DNA position 4322, T replaced by G.
Protein change: p.Ile1441Arg; replaces isoleucine 1441 with arginine.
Molecular consequence: missense variant.
Genome position (GRCh38, 1-based): chr11:108,289,687, T>G. VCF-style: chr11-108289687-T-G. GRCh37 (hg19) VCF-style: chr11-108160414-T-G.
Other names: c.4322T>G, p.Ile1441Arg (NM_001351834.2); short protein forms I1441R.
Identifiers: ClinVar variation 2707210 (VCV002707210.3), dbSNP rs1469317936, ClinGen allele CA382531838.